The following is an entry in ClinVar:

NM_000384.3(APOB):c.1393G>T (p.Asp465Tyr)

Gene: APOB (apolipoprotein B; minus strand). Cytogenetic location: 2p24.1.
Variant type: single nucleotide variant.
Coding change: c.1393G>T on transcript NM_000384.3 (MANE Select); coding-DNA position 1393, G replaced by T.
Protein change: p.Asp465Tyr; replaces aspartic acid 465 with tyrosine.
Molecular consequence: missense variant.
Genome position (GRCh38, 1-based): chr2:21,029,975, C>A on the plus strand (G>T on the coding strand, the complement: APOB is on the minus strand). VCF-style: chr2-21029975-C-A. GRCh37 (hg19) VCF-style: chr2-21252847-C-A.
Other names: short protein forms D465Y.
Identifiers: ClinVar variation 4793512 (VCV004793512.1).
Genomic context (GRCh38, chr2:21,029,975, plus strand): 5'-TGTAATCTTCATCCCCAGTGCAGTCATCTTGAATCTGTTCCATCAGGTAATTAGCAATGT[C>A]CAGCAGCTCCTGGGTCCCTGTAGGGTTTGTCTTATGATAGCTACAGAATAAGAGAAGAGA-3'
Protein context (NP_000375.3, residues 455-475): TNPTGTQELL[Asp465Tyr]IANYLMEQIQ

ClinVar aggregate classification (germline): Uncertain significance (1 of 4 stars; one submission).

Conditions:
Familial hypobetalipoproteinemia 1. Also called: Hypobetalipoproteinemia, normotriglyceridemic; Acanthocytosis with hypobetalipoproteinemia; APOB-Related Familial Hypobetalipoproteinemia. Identifiers: MedGen C4551990, MONDO:0014252, OMIM 615558.
Hypercholesterolemia, autosomal dominant, type B (FHCL2). Also called: Familial Hypercholesterolemia Type B; APOLIPOPROTEIN B-100, FAMILIAL DEFECTIVE; APOLIPOPROTEIN B-100, FAMILIAL LIGAND-DEFECTIVE; HYPERCHOLESTEROLEMIA, FAMILIAL, DUE TO LIGAND-DEFECTIVE APOLIPOPROTEIN B; APOB-Related Familial Hypercholesterolemia, Autosomal Dominant; Hyperlipoproteinemia Type IIb. Identifiers: MedGen C1704417, MONDO:0007751, OMIM 144010.

Submission:

Labcorp Genetics (formerly Invitae), Labcorp
Classification: Uncertain significance for Familial hypobetalipoproteinemia 1; Hypercholesterolemia, autosomal dominant, type B. Last evaluated: 2025-08-20. Review status: criteria provided, single submitter. Criteria: Invitae Variant Classification Sherloc (09022015). Collection method: clinical testing. Allele origin: germline.
Comment: This sequence change replaces aspartic acid, which is acidic and polar, with tyrosine, which is neutral and polar, at codon 465 of the APOB protein (p.Asp465Tyr). This variant is not present in population databases (gnomAD no frequency). This variant has not been reported in the literature in individuals affected with APOB-related conditions. Invitae Evidence Modeling of protein sequence and biophysical properties (such as structural, functional, and spatial information, amino acid conservation, physicochemical variation, residue mobility, and thermodynamic stability) indicates that this missense variant is not expected to disrupt APOB protein function with a negative predictive value of 95%. In summary, the available evidence is currently insufficient to determine the role of this variant in disease. Therefore, it has been classified as a Variant of Uncertain Significance.